The following is an entry in ClinVar:

NM_004519.4(KCNQ3):c.731_732delinsCC (p.Gly244Ala)

Gene: KCNQ3 (potassium voltage-gated channel subfamily Q member 3; minus strand). Cytogenetic location: 8q24.22.
Variant type: Indel.
Coding change: c.731_732delinsCC on transcript NM_004519.4 (MANE Select); coding-DNA positions 731 to 732, GT replaced by CC.
Protein change: p.Gly244Ala; replaces glycine 244 with alanine.
Molecular consequence: missense variant.
Genome position (GRCh38, 1-based): chr8:132,180,202-132,180,203, AC replaced by GG on the plus strand (GT replaced by CC on the coding strand, the reverse complement: KCNQ3 is on the minus strand). VCF-style: chr8-132180202-AC-GG. GRCh37 (hg19) VCF-style: chr8-133192449-AC-GG.
Other names: c.371_372delinsCC, p.Gly124Ala (NM_001204824.2); c.731_732delinsCC (NM_004519.3); short protein forms G244A, G124A.
Identifiers: ClinVar variation 3689870 (VCV003689870.3).

ClinVar aggregate classification (germline): Uncertain significance. Review status: criteria provided, multiple submitters, no conflicts (2 of 4 stars). 2 submissions from 2 submitters: Uncertain significance (2). Last evaluated 2025-01-06.

Conditions:
Benign neonatal seizures. Also called: Convulsions benign familial neonatal dominant form; Autosomal dominant form of benign neonatal seizures; Benign familial neonatal seizures; Benign neonatal familial convulsions; Benign familial neonatal epilepsy. Identifiers: Orphanet 1949, MedGen C0220669, MONDO:0016027.

Submissions (2):

GeneDx
Classification: Uncertain significance. Last evaluated: 2025-01-06. Review status: criteria provided, single submitter. Criteria: GeneDx Variant Classification Process June 2021. Collection method: clinical testing. Allele origin: germline. Affected: yes.
Comment: Not observed at significant frequency in large population cohorts (gnomAD); In silico analysis supports a deleterious effect on protein structure/function; Has not been previously published as pathogenic or benign to our knowledge; This variant is associated with the following publications: (PMID: 37322081)

Labcorp Genetics (formerly Invitae), Labcorp
Classification: Uncertain significance for Benign neonatal seizures. Last evaluated: 2024-11-26. Review status: criteria provided, single submitter. Criteria: Invitae Variant Classification Sherloc (09022015). Collection method: clinical testing. Allele origin: germline.
Comment: This sequence change replaces glycine, which is neutral and non-polar, with alanine, which is neutral and non-polar, at codon 244 of the KCNQ3 protein (p.Gly244Ala). Information on the frequency of this variant in the gnomAD database is not available, as this variant may be reported differently in the database. This variant has not been reported in the literature in individuals affected with KCNQ3-related conditions. An algorithm developed to predict the effect of missense changes on protein structure and function (PolyPhen-2) suggests that this variant is likely to be tolerated. In summary, the available evidence is currently insufficient to determine the role of this variant in disease. Therefore, it has been classified as a Variant of Uncertain Significance.